The following is an entry in ClinVar:

ClinVar aggregate classification (germline): Uncertain significance (1 of 4 stars; one submission).

Submission:

Dasa
Classification: Uncertain significance. Last evaluated: 2026-01-30. Review status: criteria provided, single submitter. Criteria: DASA Assertion Criteria. Collection method: clinical testing. Allele origin: germline.
Comment: NM_003024.3(ITSN1):c.4411A>G (p.Lys1471Glu) is a missense variant that results in the substitution of lysine with glutamic acid. This variant is rare in population databases. Computational prediction algorithms are consistent with a deleterious effect. The currently available literature and clinical evidence are not sufficient to establish a definitive association between this variant and the reported condition. Therefore, this variant is classified as a variant of uncertain significance.

NM_003024.3(ITSN1):c.4411A>G (p.Lys1471Glu)

Gene: ITSN1 (intersectin 1; plus strand). Cytogenetic location: 21q22.11.
Variant type: single nucleotide variant.
Coding change: c.4411A>G on transcript NM_003024.3 (MANE Select); coding-DNA position 4411, A replaced by G.
Protein change: p.Lys1471Glu; replaces lysine 1471 with glutamic acid.
Molecular consequence: missense variant.
Genome position (GRCh38, 1-based): chr21:33,882,312, A>G. VCF-style: chr21-33882312-A-G. GRCh37 (hg19) VCF-style: chr21-35254616-A-G.
Other names: c.4396A>G, p.Lys1466Glu (NM_001331010.2); short protein forms K1466E, K1471E.
Identifiers: ClinVar variation 4883755 (VCV004883755.2).